The following is an entry in ClinVar:

ClinVar aggregate classification (germline): Uncertain significance. Review status: criteria provided, multiple submitters, no conflicts (2 of 4 stars). 6 submissions from 2 submitters: Uncertain significance (6). Last evaluated 2023-10-02.

Conditions:
Tibial muscular dystrophy (TMD). Also called: Tibial muscular dystrophy, tardive; UDD MYOPATHY; Udd Distal Myopathy – Tibial Muscular Dystrophy. Identifiers: Orphanet 609, MedGen C1838244, MONDO:0010870, OMIM 600334.
Early-onset myopathy with fatal cardiomyopathy (CMYO5). Also called: CONGENITAL MYOPATHY 5 WITH CARDIOMYOPATHY; Salih Myopathy. Identifiers: Orphanet 289377, MedGen C2673677, MONDO:0012714, OMIM 611705. Disease mechanism: loss of function.
Autosomal recessive limb-girdle muscular dystrophy type 2J (LGMDR10). Also called: Limb-girdle muscular dystrophy, type 2J; MUSCULAR DYSTROPHY, LIMB-GIRDLE, AUTOSOMAL RECESSIVE 10. Identifiers: Orphanet 140922, MedGen C1837342, MONDO:0012127, OMIM 608807.
Myopathy, myofibrillar, 9, with early respiratory failure (MFM9). Also called: EDSTROM MYOPATHY; MYOPATHY, PROXIMAL, WITH EARLY RESPIRATORY MUSCLE INVOLVEMENT; Myopathy, distal, with early respiratory failure, autosomal dominant; Hereditary myopathy with early respiratory failure. Identifiers: Orphanet 178464, Orphanet 34521, MedGen C1863599, MONDO:0011362, OMIM 603689.
Dilated cardiomyopathy 1G (CMD1G). Identifiers: Orphanet 154, MedGen C1858763, MONDO:0011400, OMIM 604145.

Allele frequency attached by ClinVar (database versions not stated): gnomAD 0.00001; gnomAD exomes 0.00001 and 0.00003; TOPMed 0.00001.
gnomAD v4.1: 37 of 1,548,546 alleles (0.0024%); highest among the groups gnomAD compares: Non-Finnish European, 0.0032%; no homozygotes.

Submissions (6):

Mayo Clinic Laboratories, Mayo Clinic
Classification: Uncertain significance. Last evaluated: 2023-10-02. Review status: criteria provided, single submitter. Criteria: ACMG Guidelines, 2015. Collection method: clinical testing. Allele origin: germline. Observed: 2 variant alleles.
Comment: BP4

Illumina Laboratory Services, Illumina
Classification: Uncertain significance for Myopathy, myofibrillar, 9, with early respiratory failure. Last evaluated: 2018-01-12. Review status: criteria provided, single submitter. Criteria: ICSL Variant Classification Criteria 13 December 2019. Collection method: clinical testing. Allele origin: germline.

Illumina Laboratory Services, Illumina
Classification: Uncertain significance for Early-onset myopathy with fatal cardiomyopathy. Last evaluated: 2018-01-12. Review status: criteria provided, single submitter. Criteria: ICSL Variant Classification Criteria 13 December 2019. Collection method: clinical testing. Allele origin: germline.

Illumina Laboratory Services, Illumina
Classification: Uncertain significance for Tibial muscular dystrophy. Last evaluated: 2018-01-12. Review status: criteria provided, single submitter. Criteria: ICSL Variant Classification Criteria 13 December 2019. Collection method: clinical testing. Allele origin: germline.

Illumina Laboratory Services, Illumina
Classification: Uncertain significance for Autosomal recessive limb-girdle muscular dystrophy type 2J. Last evaluated: 2018-01-12. Review status: criteria provided, single submitter. Criteria: ICSL Variant Classification Criteria 13 December 2019. Collection method: clinical testing. Allele origin: germline.

Illumina Laboratory Services, Illumina
Classification: Uncertain significance for Dilated cardiomyopathy 1G. Last evaluated: 2018-01-12. Review status: criteria provided, single submitter. Criteria: ICSL Variant Classification Criteria 13 December 2019. Collection method: clinical testing. Allele origin: germline.

NM_001267550.2(TTN):c.31274T>C (p.Ile10425Thr)

Gene: TTN (titin; minus strand). Cytogenetic location: 2q31.2.
Variant type: single nucleotide variant.
Coding change: c.31274T>C on transcript NM_001267550.2 (MANE Select); coding-DNA position 31274, T replaced by C.
Protein change: p.Ile10425Thr; replaces isoleucine 10425 with threonine.
Molecular consequence: missense variant. On other transcripts: intron variant (3).
Genome position (GRCh38, 1-based): chr2:178,694,903, A>G on the plus strand (T>C on the coding strand, the complement: TTN is on the minus strand). VCF-style: chr2-178694903-A-G. GRCh37 (hg19) VCF-style: chr2-179559630-A-G.
Other names: p.Ile9181Thr; c.30323T>C, p.Ile10108Thr (NM_001256850.1); c.27542T>C, p.Ile9181Thr (NM_133378.4); c.13282+43179T>C (NM_003319.4); c.13858+43179T>C (NM_133437.4); c.13657+43179T>C (NM_133432.3); short protein forms I9181T, I10108T, I10425T.
Identifiers: ClinVar variation 893517 (VCV000893517.5), dbSNP rs1198546466, ClinGen allele CA349563486.